The following is an entry in ClinVar:

ClinVar aggregate classification (germline): Uncertain significance (1 of 4 stars; one submission).

Submission:

Labcorp Genetics (formerly Invitae), Labcorp
Classification: Uncertain significance. Last evaluated: 2024-11-05. Review status: criteria provided, single submitter. Criteria: Invitae Variant Classification Sherloc (09022015). Collection method: clinical testing. Allele origin: germline.
Comment: This sequence change replaces aspartic acid, which is acidic and polar, with glycine, which is neutral and non-polar, at codon 350 of the SLC45A2 protein (p.Asp350Gly). This variant is not present in population databases (gnomAD no frequency). This variant has not been reported in the literature in individuals affected with SLC45A2-related conditions. ClinVar contains an entry for this variant (Variation ID: 2085857). Invitae Evidence Modeling of protein sequence and biophysical properties (such as structural, functional, and spatial information, amino acid conservation, physicochemical variation, residue mobility, and thermodynamic stability) indicates that this missense variant is not expected to disrupt SLC45A2 protein function with a negative predictive value of 80%. In summary, the available evidence is currently insufficient to determine the role of this variant in disease. Therefore, it has been classified as a Variant of Uncertain Significance.

NM_016180.5(SLC45A2):c.1049A>G (p.Asp350Gly)

Gene: SLC45A2 (solute carrier family 45 member 2; minus strand). Cytogenetic location: 5p13.2.
Variant type: single nucleotide variant.
Coding change: c.1049A>G on transcript NM_016180.5 (MANE Select); coding-DNA position 1049, A replaced by G.
Protein change: p.Asp350Gly; replaces aspartic acid 350 with glycine.
Molecular consequence: missense variant. On other transcripts: synonymous variant (1).
Genome position (GRCh38, 1-based): chr5:33,951,661, T>C on the plus strand (A>G on the coding strand, the complement: SLC45A2 is on the minus strand). VCF-style: chr5-33951661-T-C. GRCh37 (hg19) VCF-style: chr5-33951766-T-C.
Other names: c.1049A>G, p.Asp350Gly (NM_001012509.4); c.723A>G, p.Gly241= (NM_001297417.4); short protein forms D350G.
Identifiers: ClinVar variation 2085857 (VCV002085857.4), dbSNP rs750335797, ClinGen allele CA359390094.